The following is an entry in ClinVar:

NM_033380.3(COL4A5):c.2833G>T (p.Glu945Ter)

Gene: COL4A5 (collagen type IV alpha 5 chain; plus strand). Cytogenetic location: Xq22.3.
Variant type: single nucleotide variant.
Coding change: c.2833G>T on transcript NM_033380.3 (MANE Select); coding-DNA position 2833, G replaced by T.
Protein change: p.Glu945Ter; replaces glutamic acid 945 with a stop codon.
Molecular consequence: nonsense.
Genome position (GRCh38, 1-based): chrX:108,622,741, G>T. VCF-style: chrX-108622741-G-T. GRCh37 (hg19) VCF-style: chrX-107865971-G-T.
Other names: c.2833G>T, p.Glu945Ter (NM_000495.5); short protein forms E945*.
Identifiers: ClinVar variation 1459457 (VCV001459457.7), dbSNP rs2147865716, ClinGen allele CA413852767.

ClinVar aggregate classification (germline): Pathogenic. Review status: criteria provided, multiple submitters, no conflicts (2 of 4 stars). 2 submissions from 2 submitters: Pathogenic (2). Last evaluated 2025-06-12.

Conditions:
X-linked Alport syndrome (ATS1). Also called: NEPHROPATHY AND DEAFNESS, X-LINKED; COL4A5-Related Nephropathy. Identifiers: Orphanet 63, Orphanet 88917, MedGen C4746986, MONDO:0010520, OMIM 301050.

Submissions (2):

Labcorp Genetics (formerly Invitae), Labcorp
Classification: Pathogenic. Last evaluated: 2025-06-12. Review status: criteria provided, single submitter. Criteria: Invitae Variant Classification Sherloc (09022015). Collection method: clinical testing. Allele origin: germline.
Comment: This sequence change creates a premature translational stop signal (p.Glu945*) in the COL4A5 gene. It is expected to result in an absent or disrupted protein product. Loss-of-function variants in COL4A5 are known to be pathogenic (PMID: 9195222, 10752524, 14514738, 24854265, 26809805). This variant is not present in population databases (gnomAD no frequency). This variant has not been reported in the literature in individuals affected with COL4A5-related conditions. ClinVar contains an entry for this variant (Variation ID: 1459457). For these reasons, this variant has been classified as Pathogenic.

Fulgent Genetics
Classification: Pathogenic for X-linked Alport syndrome. Last evaluated: 2022-01-04. Review status: criteria provided, single submitter. Criteria: ACMG Guidelines, 2015. Collection method: clinical testing. Allele origin: unknown.

Literature cited by the submitters: PubMed 9195222 (cited by Labcorp Genetics (formerly Invitae), Labcorp); PubMed 10752524 (cited by Labcorp Genetics (formerly Invitae), Labcorp); PubMed 14514738 (cited by Labcorp Genetics (formerly Invitae), Labcorp); PubMed 24854265 (cited by Labcorp Genetics (formerly Invitae), Labcorp); PubMed 26809805 (cited by Labcorp Genetics (formerly Invitae), Labcorp).